The following is an entry in ClinVar:

NM_001040108.2(MLH3):c.3811C>A (p.Gln1271Lys)

Gene: MLH3 (mutL homolog 3; minus strand). Cytogenetic location: 14q24.3.
Variant type: single nucleotide variant.
Coding change: c.3811C>A on transcript NM_001040108.2 (MANE Select); coding-DNA position 3811, C replaced by A.
Protein change: p.Gln1271Lys; replaces glutamine 1271 with lysine.
Molecular consequence: missense variant.
Genome position (GRCh38, 1-based): chr14:75,032,084, G>T on the plus strand (C>A on the coding strand, the complement: MLH3 is on the minus strand). VCF-style: chr14-75032084-G-T. GRCh37 (hg19) VCF-style: chr14-75498787-G-T.
Other names: c.3739C>A, p.Gln1247Lys (NM_014381.3); short protein forms Q1247K, Q1271K.
Identifiers: ClinVar variation 2448602 (VCV002448602.2), dbSNP rs2503131360, ClinGen allele CA390424719.

ClinVar aggregate classification (germline): Uncertain significance (1 of 4 stars; one submission).

Submission:

Ambry Genetics
Classification: Uncertain significance. Last evaluated: 2022-11-15. Review status: criteria provided, single submitter. Criteria: Ambry Variant Classification Scheme 2023. Collection method: clinical testing. Allele origin: germline.
Comment: The p.Q1271K variant (also known as c.3811C>A), located in coding exon 7 of the MLH3 gene, results from a C to A substitution at nucleotide position 3811. The glutamine at codon 1271 is replaced by lysine, an amino acid with similar properties. This amino acid position is conserved. In addition, the in silico prediction for this alteration is inconclusive. Since supporting evidence is limited at this time, the clinical significance of this alteration remains unclear.